The following is an entry in ClinVar:

ClinVar aggregate classification (germline): Likely pathogenic (1 of 4 stars; one submission).

Conditions:
Primary ciliary dyskinesia 30. Also called: CILIARY DYSKINESIA, PRIMARY, 30, WITH OR WITHOUT SITUS INVERSUS. Identifiers: Orphanet 244, MedGen C4015016, MONDO:0014465, OMIM 616037.

Submission:

Juno Genomics, Hangzhou Juno Genomics, Inc
Classification: Likely pathogenic for Primary ciliary dyskinesia 30. Review status: criteria provided, single submitter. Criteria: ACMG Guidelines, 2015. Collection method: clinical testing. Allele origin: germline. Affected: yes.
Comment: Null variant in a gene where loss of function (LOF) is a known mechanism of disease.;Absent from controls (or at extremely low frequency if recessive) in Genome Aggregation Database, Exome Sequencing Project, 1000 Genomes Project, or Exome Aggregation Consortium.

NM_145045.5(ODAD3):c.157dup (p.Ser53fs)

Gene: ODAD3 (outer dynein arm docking complex subunit 3; minus strand). Cytogenetic location: 19p13.2.
Variant type: Duplication.
Coding change: c.157dup on transcript NM_145045.5 (MANE Select); coding-DNA position 157, one base duplicated (T; older notation c.157dupT).
Protein change: p.Ser53fs; shifts the reading frame from serine 53.
Molecular consequence: frameshift variant. On other transcripts: intron variant (1).
Genome position (GRCh38, 1-based): chr19:11,434,860, A duplicated on the plus strand (T on the coding strand, the reverse complement: ODAD3 is on the minus strand); the first of 2 consecutive A bases (chr19:11,434,860-11,434,861); duplicating either gives the same sequence. VCF-style (leftmost placement, unchanged base first): chr19-11434859-G-GA. GRCh37 (hg19) VCF-style: chr19-11545680-G-GA.
Other names: c.157dup, p.Ser53fs (NM_001302454.2); c.82+830dup (NM_001302453.1); short protein forms S53fs.
Identifiers: ClinVar variation 3381853 (VCV003381853.2).